The following is an entry in ClinVar:

ClinVar aggregate classification (germline): Uncertain significance (1 of 4 stars; one submission).

Conditions:
Kleefstra syndrome 1 (KLEFS1). Identifiers: Orphanet 261494, MedGen C0795833, MONDO:0027407, OMIM 610253.

Submission:

Labcorp Genetics (formerly Invitae), Labcorp
Classification: Uncertain significance for Kleefstra syndrome 1. Last evaluated: 2022-06-18. Review status: criteria provided, single submitter. Criteria: Invitae Variant Classification Sherloc (09022015). Collection method: clinical testing. Allele origin: germline.
Comment: This sequence change falls in intron 25 of the EHMT1 gene. It does not directly change the encoded amino acid sequence of the EHMT1 protein. Information on the frequency of this variant in the gnomAD database is not available, as this variant may be reported differently in the database. This variant has not been reported in the literature in individuals affected with EHMT1-related conditions. Experimental studies and prediction algorithms are not available or were not evaluated, and the effect of this variant on mRNA splicing is currently unknown. In summary, the available evidence is currently insufficient to determine the role of this variant in disease. Therefore, it has been classified as a Variant of Uncertain Significance.

NM_024757.5(EHMT1):c.3541-20_3541-19delinsTT

Gene: EHMT1 (euchromatic histone lysine methyltransferase 1; plus strand). Cytogenetic location: 9q34.3.
Variant type: Indel.
Coding change: c.3541-20_3541-19delinsTT on transcript NM_024757.5 (MANE Select); 20 bases into the intron before coding-DNA position 3541 through 19 bases into the intron before coding-DNA position 3541, GC replaced by TT.
Molecular consequence: intron variant.
Genome position (GRCh38, 1-based): chr9:137,834,329-137,834,330, GC replaced by TT. VCF-style: chr9-137834329-GC-TT. GRCh37 (hg19) VCF-style: chr9-140728781-GC-TT.
Other names: c.3520-20_3520-19delinsTT (NM_001354263.2).
Identifiers: ClinVar variation 2004625 (VCV002004625.4), dbSNP rs2538994622, ClinGen allele CA2580080994.